The following is an entry in ClinVar:

NM_001794.5(CDH4):c.1350C>T (p.Asn450=)

Gene: CDH4 (cadherin 4; plus strand). Cytogenetic location: 20q13.33.
Variant type: single nucleotide variant.
Coding change: c.1350C>T on transcript NM_001794.5 (MANE Select); coding-DNA position 1350, C replaced by T.
Protein change: p.Asn450=; no amino-acid change (asparagine 450 retained).
Molecular consequence: synonymous variant.
Genome position (GRCh38, 1-based): chr20:61,910,583, C>T. VCF-style: chr20-61910583-C-T. GRCh37 (hg19) VCF-style: chr20-60485639-C-T.
Other names: c.1239C>T, p.Asn413= (NM_001252338.2); c.1128C>T, p.Asn376= (NM_001252339.3).
Identifiers: ClinVar variation 711082 (VCV000711082.27), dbSNP rs78259850, ClinGen allele CA9934698.

ClinVar aggregate classification (germline): Benign/Likely benign. Review status: criteria provided, multiple submitters, no conflicts (2 of 4 stars). 2 submissions from 2 submitters: Benign (1); Likely benign (1). Last evaluated 2022-12-01.

Allele frequency attached by ClinVar (database versions not stated): 1000 Genomes Project 30x 0.00062; TOPMed 0.00251; gnomAD 0.00257 and 0.00247; ExAC 0.00269; ESP Exome Variant Server 0.00323; gnomAD exomes 0.00363 and 0.00243; 1000 Genomes Project 0.00080.
gnomAD v4.1: 5,647 of 1,613,630 alleles (0.35%); highest among the groups gnomAD compares: Non-Finnish European, 0.44%; 11 homozygotes.

Submissions (2):

CeGaT Center for Human Genetics Tuebingen
Classification: Likely benign. Last evaluated: 2022-12-01. Review status: criteria provided, single submitter. Criteria: CeGaT Center For Human Genetics Tuebingen Variant Classification Criteria Version 2. Collection method: clinical testing. Allele origin: germline. Affected: yes. Observed: 2 variant alleles.
Comment: CDH4: BP4, BP7

Labcorp Genetics (formerly Invitae), Labcorp
Classification: Benign. Last evaluated: 2018-10-19. Review status: criteria provided, single submitter. Criteria: Invitae Variant Classification Sherloc (09022015). Collection method: clinical testing. Allele origin: germline.